The following is an entry in ClinVar:

NM_001032283.3(TMPO):c.565+2299A>G

Gene: TMPO (thymopoietin; plus strand). Cytogenetic location: 12q23.1.
Variant type: single nucleotide variant.
Coding change: c.565+2299A>G on transcript NM_001032283.3 (MANE Select); 2299 bases into the intron after coding-DNA position 565, A replaced by G.
Molecular consequence: intron variant. On other transcripts: missense variant (1).
Genome position (GRCh38, 1-based): chr12:98,534,137, A>G. VCF-style: chr12-98534137-A-G. GRCh37 (hg19) VCF-style: chr12-98927915-A-G.
Other names: c.1880A>G, p.Tyr627Cys (NM_003276.2); c.565+2299A>G (NM_001307975.2, NM_001032284.3); short protein forms Y627C.
Identifiers: ClinVar variation 1442701 (VCV001442701.11), dbSNP rs766232053, ClinGen allele CA6732507.
Genomic context (GRCh38, chr12:98,534,137, plus strand): 5'-ATCCTAGTCGTACCCACCAAGCGCTTGGGATTCTGAGCAAAACATATGATGCAGCCTCAT[A>G]TATTTGTGAAGCTGCATTTGATGAAGTGAAGATGGCTGCCCATACCATGGGAAATGCCAC-3'

ClinVar aggregate classification (germline): Uncertain significance. Review status: criteria provided, multiple submitters, no conflicts (2 of 4 stars). 2 submissions from 2 submitters: Uncertain significance (2). Last evaluated 2024-08-19.

Conditions:
Loeys-Dietz syndrome 2 (LDS2). Also called: Marfan Syndrome type 2; Marfan like connective tissue disorder; MFS 2; TGFBR2-Related Loeys-Dietz Syndrome; AORTIC ANEURYSM, FAMILIAL THORACIC 3; MARFAN SYNDROME, TYPE II. Identifiers: Orphanet 284973, Orphanet 558, MedGen C2674574, MONDO:0012427, OMIM 610168.

Allele frequency attached by ClinVar (database versions not stated): gnomAD exomes below 0.00001; ExAC 0.00001.
gnomAD v4.1: 6 of 1,613,930 alleles (0.00037%); highest among the groups gnomAD compares: Non-Finnish European, 0.00051%; no homozygotes.

Submissions (2):

Ambry Genetics
Classification: Uncertain significance. Last evaluated: 2024-08-19. Review status: criteria provided, single submitter. Criteria: Ambry Variant Classification Scheme 2023. Collection method: clinical testing. Allele origin: germline.
Comment: The p.Y627C variant (also known as c.1880A>G), located in coding exon 4 of the TMPO gene, results from an A to G substitution at nucleotide position 1880. The tyrosine at codon 627 is replaced by cysteine, an amino acid with highly dissimilar properties. This amino acid position is conserved. In addition, this alteration is predicted to be tolerated by in silico analysis. Since supporting evidence is limited at this time, the clinical significance of this alteration remains unclear.

Labcorp Genetics (formerly Invitae), Labcorp
Classification: Uncertain significance for Loeys-Dietz syndrome 2. Last evaluated: 2022-03-18. Review status: criteria provided, single submitter. Criteria: Invitae Variant Classification Sherloc (09022015). Collection method: clinical testing. Allele origin: germline.
Comment: This sequence change replaces tyrosine, which is neutral and polar, with cysteine, which is neutral and slightly polar, at codon 627 of the TMPO protein (p.Tyr627Cys). This variant is present in population databases (rs766232053, gnomAD 0.0009%). This variant has not been reported in the literature in individuals affected with TMPO-related conditions. Algorithms developed to predict the effect of missense changes on protein structure and function are either unavailable or do not agree on the potential impact of this missense change (SIFT: "Tolerated"; PolyPhen-2: "Possibly Damaging"; Align-GVGD: "Class C0"). In summary, the available evidence is currently insufficient to determine the role of this variant in disease. Therefore, it has been classified as a Variant of Uncertain Significance.